The following is an entry in ClinVar:

NM_001083116.3(PRF1):c.65dup (p.Cys23fs)

Gene: PRF1 (perforin 1; minus strand). Cytogenetic location: 10q22.1.
Variant type: Duplication.
Coding change: c.65dup on transcript NM_001083116.3 (MANE Select); coding-DNA position 65, one base duplicated (C; older notation c.65dupC).
Protein change: p.Cys23fs; shifts the reading frame from cysteine 23.
Molecular consequence: frameshift variant.
Genome position (GRCh38, 1-based): chr10:70,600,838, G duplicated on the plus strand (C on the coding strand, the reverse complement: PRF1 is on the minus strand); the first of 4 consecutive G bases (chr10:70,600,838-70,600,841); duplicating any one gives the same sequence. VCF-style (leftmost placement, unchanged base first): chr10-70600837-C-CG. GRCh37 (hg19) VCF-style: chr10-72360593-C-CG.
Other names: c.65dup, p.Cys23fs (NM_005041.6); short protein forms C23fs.
Identifiers: ClinVar variation 2832650 (VCV002832650.3), dbSNP rs761651233, ClinGen allele CA2739275720.
Genomic context (GRCh38, chr10:70,600,837, plus strand): 5'-CCATGCACCAGGCACGAACTTGTGGCTGCGCTTGCACTCTGAGCGTGCGGCTGTGTGGCA[C>CG]GGGGCAGGGACGGGCAGGGGCAGCAGCAGGAGAAGGATGCCCAGGAGGAGCAGACGGGCT-3'

ClinVar aggregate classification (germline): Pathogenic (1 of 4 stars; one submission).

Conditions:
Familial hemophagocytic lymphohistiocytosis 2 (FHL2). Also called: PRF1-Related Familial Hemophagocytic Lymphohistiocytosis (PRF1-fHLH). Identifiers: Orphanet 540, MedGen C1863727, MONDO:0011337, OMIM 603553.

Submission:

Labcorp Genetics (formerly Invitae), Labcorp
Classification: Pathogenic for Familial hemophagocytic lymphohistiocytosis 2. Last evaluated: 2023-12-19. Review status: criteria provided, single submitter. Criteria: Invitae Variant Classification Sherloc (09022015). Collection method: clinical testing. Allele origin: germline.
Comment: This sequence change creates a premature translational stop signal (p.Cys23Valfs*55) in the PRF1 gene. It is expected to result in an absent or disrupted protein product. Loss-of-function variants in PRF1 are known to be pathogenic (PMID: 1156555, 16860143). This variant is not present in population databases (gnomAD no frequency). This variant has not been reported in the literature in individuals affected with PRF1-related conditions. For these reasons, this variant has been classified as Pathogenic.

Literature cited by the submitters: PubMed 1156555; PubMed 16860143.